The following is an entry in ClinVar:

NM_004006.3(DMD):c.5540_5543del (p.Ile1847fs)

Gene: DMD (dystrophin; minus strand). Cytogenetic location: Xp21.1.
Variant type: Deletion.
Coding change: c.5540_5543del on transcript NM_004006.3 (MANE Select); coding-DNA positions 5540 to 5543, 4 bases deleted (TAAA; older notation c.5540_5543delTAAA).
Protein change: p.Ile1847fs; shifts the reading frame from isoleucine 1847.
Molecular consequence: frameshift variant.
Genome position (GRCh38, 1-based): chrX:32,345,986-32,345,989, TTTA deleted on the plus strand (TAAA on the coding strand, the reverse complement: DMD is on the minus strand); deleting any 4 consecutive bases within chrX:32,345,986-32,345,992 gives the same sequence; the c. name uses the placement nearest the transcript's 3' end. VCF-style (leftmost placement, unchanged base first): chrX-32345985-CTTTA-C. GRCh37 (hg19) VCF-style: chrX-32364102-CTTTA-C.
Other names: c.5516_5519del, p.Ile1839fs (NM_000109.4); c.5528_5531del, p.Ile1843fs (NM_004009.3); c.5171_5174del, p.Ile1724fs (NM_004010.3); c.1517_1520del, p.Ile506fs (NM_004011.4); c.1508_1511del, p.Ile503fs (NM_004012.4); short protein forms I1839fs, I1724fs, I503fs, I1843fs, I1847fs, I506fs.
Identifiers: ClinVar variation 4721962 (VCV004721962.1).

ClinVar aggregate classification (germline): Pathogenic (1 of 4 stars; one submission).

Conditions:
Duchenne muscular dystrophy (DMD). Also called: MUSCULAR DYSTROPHY, PSEUDOHYPERTROPHIC PROGRESSIVE, DUCHENNE TYPE; Duchenne Muscular Dystrophy (DMD). Identifiers: Orphanet 98896, MedGen C0013264, MONDO:0010679, OMIM 310200.

Submission:

Labcorp Genetics (formerly Invitae), Labcorp
Classification: Pathogenic for Duchenne muscular dystrophy. Last evaluated: 2025-06-23. Review status: criteria provided, single submitter. Criteria: Invitae Variant Classification Sherloc (09022015). Collection method: clinical testing. Allele origin: germline.
Comment: This sequence change creates a premature translational stop signal (p.Ile1847Argfs*2) in the DMD gene. It is expected to result in an absent or disrupted protein product. Loss-of-function variants in DMD are known to be pathogenic (PMID: 16770791, 25007885). This variant is not present in population databases (gnomAD no frequency). This variant has not been reported in the literature in individuals affected with DMD-related conditions. For these reasons, this variant has been classified as Pathogenic.

Literature cited by the submitters: PubMed 16770791; PubMed 25007885.